The following is an entry in ClinVar:

ClinVar aggregate classification (germline): Benign/Likely benign. Review status: criteria provided, multiple submitters, no conflicts (2 of 4 stars). 4 submissions from 4 submitters: Benign (1); Likely benign (1). 2 of the submissions do not count toward it. Last evaluated 2026-09-01.

Conditions:
TEX11-related disorder. Also called: TEX11-related condition.
Spermatogenic failure, X-linked, 2 (SPGFX2). Also called: MALE INFERTILITY FROM DEFECT IN MEIOSIS. Identifiers: MedGen C1839841, MONDO:0010647, OMIM 309120.

Allele frequency attached by ClinVar (database versions not stated): 1000 Genomes Project 0.00079; 1000 Genomes Project 30x 0.00083; TOPMed 0.00191; gnomAD exomes 0.00192 and 0.00347; ExAC 0.00208; ESP Exome Variant Server 0.00218; gnomAD 0.00239 and 0.00245.
gnomAD v4.1: 4,038 of 1,207,420 alleles (0.33%); highest among the groups gnomAD compares: Non-Finnish European, 0.42%; 6 homozygotes.

Submissions (4):

CeGaT Center for Human Genetics Tuebingen
Classification: Likely benign. Last evaluated: 2026-09-01. Review status: criteria provided, single submitter. Criteria: CeGaT Center For Human Genetics Tuebingen Variant Classification Criteria Version 2. Collection method: clinical testing. Allele origin: germline. Affected: yes. Observed: 5 variant alleles.
Comment: TEX11: BP4, BP7

Labcorp Genetics (formerly Invitae), Labcorp
Classification: Benign. Last evaluated: 2019-12-31. Review status: criteria provided, single submitter. Criteria: Invitae Variant Classification Sherloc (09022015). Collection method: clinical testing. Allele origin: germline.

PreventionGenetics, part of Exact Sciences
Classification: Likely benign for TEX11-related condition. Last evaluated: 2021-01-25. Review status: no assertion criteria provided. Collection method: clinical testing. Allele origin: germline. Not counted in ClinVar's aggregate classification.
Comment: This variant is classified as likely benign based on ACMG/AMP sequence variant interpretation guidelines (Richards et al. 2015 PMID: 25741868, with internal and published modifications).

OMIM
Classification: Pathogenic for SPERMATOGENIC FAILURE, X-LINKED, 2. Last evaluated: 2015-05-28. Review status: no assertion criteria provided. Collection method: literature only. Allele origin: germline. Not counted in ClinVar's aggregate classification.

Literature cited by the submitters: PubMed 25970010 (cited by OMIM).

NM_031276.3(TEX11):c.405C>T (p.Ala135=)

Gene: TEX11 (testis expressed 11; minus strand). Cytogenetic location: Xq13.1.
Variant type: single nucleotide variant.
Coding change: c.405C>T on transcript NM_031276.3 (MANE Select); coding-DNA position 405, C replaced by T.
Protein change: p.Ala135=; no amino-acid change (alanine 135 retained).
Molecular consequence: synonymous variant.
Genome position (GRCh38, 1-based): chrX:70,853,248, G>A on the plus strand (C>T on the coding strand, the complement: TEX11 is on the minus strand). VCF-style: chrX-70853248-G-A. GRCh37 (hg19) VCF-style: chrX-70073098-G-A.
Other names: A150A; c.450C>T, p.Ala150= (NM_001003811.2).
Identifiers: ClinVar variation 192381 (VCV000192381.30), dbSNP rs147088100, ClinGen allele CA355011.